The following is an entry in ClinVar:

ClinVar aggregate classification (germline): Conflicting classifications of pathogenicity. Review status: criteria provided, conflicting classifications (1 of 4 stars). 5 submissions from 5 submitters: Likely pathogenic (3); Uncertain significance (2). Last evaluated 2026-05-06.

Conditions:
Mitochondrial complex I deficiency, nuclear type 1. Also called: NADH-COENZYME Q REDUCTASE DEFICIENCY; MITOCHONDRIAL NADH DEHYDROGENASE COMPONENT OF COMPLEX I, DEFICIENCY OF. Identifiers: MedGen C6022305, MONDO:0100224, OMIM 252010.
Inborn genetic diseases. Identifiers: MedGen C0950123, MeSH D030342.

Allele frequency attached by ClinVar (database versions not stated): gnomAD exomes 0.00003 and 0.00008; gnomAD 0.00005 and 0.00004; ESP Exome Variant Server 0.00008; TOPMed 0.00012; ExAC 0.00002.
gnomAD v4.1: 49 of 1,614,020 alleles (0.003%); highest among the groups gnomAD compares: Admixed American, 0.042%; no homozygotes.

Submissions (5):

Ambry Genetics
Classification: Likely pathogenic for Inborn genetic diseases. Last evaluated: 2026-05-06. Review status: criteria provided, single submitter. Criteria: Ambry Variant Classification Scheme 2023. Collection method: clinical testing. Allele origin: germline.
Comment: The c.119G>A (p.R40Q) alteration is located in exon 2 (coding exon 2) of the NDUFV1 gene. This alteration results from a G to A substitution at nucleotide position 119, causing the arginine (R) at amino acid position 40 to be replaced by a glutamine (Q). Based on data from gnomAD, the A allele has an overall frequency of 0.007% (21/282880) total alleles studied. The highest observed frequency was 0.056% (20/35438) of Latino alleles. This variant has been identified in the homozygous state and/or in conjunction with other NDUFV1 variant(s) in individual(s) with features consistent with NDUFV1-related mitochondrial complex I deficiency; in at least one instance, the variants were identified in trans (Kaler, 2025; external communication). Other variant(s) at the same codon, c.118C>T (p.R40W) have been identified in individual(s) with features consistent NDUFV1-related mitochondrial complex I deficiency (Tang, 2022). This amino acid position is highly conserved in available vertebrate species. This alteration is predicted to be deleterious by in silico analysis. Based on the available evidence, this alteration is classified as likely pathogenic.

GeneDx
Classification: Likely pathogenic. Last evaluated: 2025-10-07. Review status: criteria provided, single submitter. Criteria: GeneDx Variant Classification Process June 2021. Collection method: clinical testing. Allele origin: germline. Affected: yes.
Comment: Identified in trans with a second NDUFV1 variant in two siblings in published literature. One sibling had acute profound lactic alkalosis after previously normal development, and the other sibling had a history of oligohydramnios and febrile illness with current neurocognitive delays and apparently stable metabolic status (PMID: 40919011); In silico analysis supports that this missense variant has a deleterious effect on protein structure/function; This variant is associated with the following publications: (PMID: 35482246, 40919011)

Women's Health and Genetics/Laboratory Corporation of America, LabCorp
Classification: Uncertain significance. Last evaluated: 2025-05-22. Review status: criteria provided, single submitter. Criteria: LabCorp Variant Classification Summary - May 2015. Collection method: clinical testing. Allele origin: germline.
Comment: Variant summary: NDUFV1 c.119G>A (p.Arg40Gln) results in a conservative amino acid change in the encoded protein sequence. Algorithms developed to predict the effect of missense changes on protein structure and function are either unavailable or do not agree on the potential impact of this missense change. The variant allele was found at a frequency of 7.6e-05 in 251496 control chromosomes. This frequency is not significantly higher than estimated for a pathogenic variant in NDUFV1 causing Leigh Syndrome (7.6e-05 vs 0.0013), allowing no conclusion about variant significance. To our knowledge, no occurrence of c.119G>A in individuals affected with Leigh Syndrome and no experimental evidence demonstrating its impact on protein function have been reported. ClinVar contains an entry for this variant (Variation ID: 521516). Based on the evidence outlined above, the variant was classified as uncertain significance.

Labcorp Genetics (formerly Invitae), Labcorp
Classification: Likely pathogenic. Last evaluated: 2024-03-12. Review status: criteria provided, single submitter. Criteria: Invitae Variant Classification Sherloc (09022015). Collection method: clinical testing. Allele origin: germline.
Comment: This sequence change replaces arginine, which is basic and polar, with glutamine, which is neutral and polar, at codon 40 of the NDUFV1 protein (p.Arg40Gln). This variant is present in population databases (rs141502688, gnomAD 0.06%). This variant has not been reported in the literature in individuals affected with NDUFV1-related conditions. ClinVar contains an entry for this variant (Variation ID: 521516). Advanced modeling of protein sequence and biophysical properties (such as structural, functional, and spatial information, amino acid conservation, physicochemical variation, residue mobility, and thermodynamic stability) performed at Invitae indicates that this missense variant is expected to disrupt NDUFV1 protein function with a positive predictive value of 95%. This variant disrupts the p.Arg40 amino acid residue in NDUFV1. Other variant(s) that disrupt this residue have been determined to be pathogenic (PMID: 35482246). This suggests that this residue is clinically significant, and that variants that disrupt this residue are likely to be disease-causing. In summary, the currently available evidence indicates that the variant is pathogenic, but additional data are needed to prove that conclusively. Therefore, this variant has been classified as Likely Pathogenic.

Baylor Genetics
Classification: Uncertain significance for Mitochondrial complex I deficiency, nuclear type 1. Last evaluated: 2018-02-23. Review status: criteria provided, single submitter. Criteria: ACMG Guidelines, 2015. Collection method: clinical testing. Allele origin: unknown. Affected: yes.
Comment: This variant was determined to be of uncertain significance according to ACMG Guidelines, 2015 [PMID:25741868].

Literature cited by the submitters: PubMed 35482246 (cited by Ambry Genetics and Labcorp Genetics (formerly Invitae), Labcorp); PubMed 40919011 (cited by Ambry Genetics).

NM_007103.4(NDUFV1):c.119G>A (p.Arg40Gln)

Gene: NDUFV1 (NADH:ubiquinone oxidoreductase core subunit V1; plus strand). Cytogenetic location: 11q13.2.
Variant type: single nucleotide variant.
Coding change: c.119G>A on transcript NM_007103.4 (MANE Select); coding-DNA position 119, G replaced by A.
Protein change: p.Arg40Gln; replaces arginine 40 with glutamine.
Molecular consequence: missense variant.
Genome position (GRCh38, 1-based): chr11:67,608,442, G>A. VCF-style: chr11-67608442-G-A. GRCh37 (hg19) VCF-style: chr11-67375913-G-A.
Other names: c.92G>A, p.Arg31Gln (NM_001166102.2); short protein forms R40Q, R31Q.
Identifiers: ClinVar variation 521516 (VCV000521516.20), dbSNP rs141502688, ClinGen allele CA6143081.